The following is an entry in ClinVar:

ClinVar aggregate classification (germline): Uncertain significance. Review status: criteria provided, multiple submitters, no conflicts (2 of 4 stars). 3 submissions from 3 submitters: Uncertain significance (3). Last evaluated 2024-03-19.

Conditions:
Congenital muscular dystrophy due to integrin alpha-7 deficiency. Also called: MYOPATHY, CONGENITAL, DUE TO INTEGRIN ALPHA-7 DEFICIENCY; Congenital muscular dystrophy with integrin alpha-7 deficiency; Muscular dystrophy, congenital, due to ITGA7 deficiency. Identifiers: Orphanet 34520, MedGen C2750786, MONDO:0013177, OMIM 613204.

Allele frequency attached by ClinVar (database versions not stated): gnomAD exomes 0.00001 and 0.00004; ExAC 0.00002; ESP Exome Variant Server 0.00008; gnomAD 0.00017 and 0.00020; TOPMed 0.00020.
gnomAD v4.1: 49 of 1,614,012 alleles (0.003%); highest among the groups gnomAD compares: African/African-American, 0.06%; no homozygotes.

Submissions (3):

Ambry Genetics
Classification: Uncertain significance. Last evaluated: 2024-03-19. Review status: criteria provided, single submitter. Criteria: Ambry Variant Classification Scheme 2023. Collection method: clinical testing. Allele origin: germline.

Labcorp Genetics (formerly Invitae), Labcorp
Classification: Uncertain significance for Congenital muscular dystrophy due to integrin alpha-7 deficiency. Last evaluated: 2022-09-12. Review status: criteria provided, single submitter. Criteria: Invitae Variant Classification Sherloc (09022015). Collection method: clinical testing. Allele origin: germline.
Comment: This sequence change replaces serine, which is neutral and polar, with asparagine, which is neutral and polar, at codon 487 of the ITGA7 protein (p.Ser487Asn). This variant is present in population databases (rs140619961, gnomAD 0.05%). This variant has not been reported in the literature in individuals affected with ITGA7-related conditions. ClinVar contains an entry for this variant (Variation ID: 1021842). Advanced modeling of protein sequence and biophysical properties (such as structural, functional, and spatial information, amino acid conservation, physicochemical variation, residue mobility, and thermodynamic stability) performed at Invitae indicates that this missense variant is not expected to disrupt ITGA7 protein function. In summary, the available evidence is currently insufficient to determine the role of this variant in disease. Therefore, it has been classified as a Variant of Uncertain Significance.

Revvity Omics, Revvity
Classification: Uncertain significance for Congenital muscular dystrophy due to integrin alpha-7 deficiency. Last evaluated: 2020-09-08. Review status: criteria provided, single submitter. Criteria: ACMG Guidelines, 2015. Collection method: clinical testing. Allele origin: germline.

NM_002206.3(ITGA7):c.1460G>A (p.Ser487Asn)

Gene: ITGA7 (integrin subunit alpha 7; minus strand). Cytogenetic location: 12q13.2.
Variant type: single nucleotide variant.
Coding change: c.1460G>A on transcript NM_002206.3 (MANE Select); coding-DNA position 1460, G replaced by A.
Protein change: p.Ser487Asn; replaces serine 487 with asparagine.
Molecular consequence: missense variant.
Genome position (GRCh38, 1-based): chr12:55,697,496, C>T on the plus strand (G>A on the coding strand, the complement: ITGA7 is on the minus strand). VCF-style: chr12-55697496-C-T. GRCh37 (hg19) VCF-style: chr12-56091280-C-T.
Other names: c.1472G>A, p.Ser491Asn (NM_001144996.2, NM_001414029.1); c.1181G>A, p.Ser394Asn (NM_001144997.2); c.1133G>A, p.Ser378Asn (NM_001367993.1); c.116G>A, p.Ser39Asn (NM_001367994.1); c.1460G>A, p.Ser487Asn (NM_001374465.1, NM_001414034.1); c.1592G>A, p.Ser531Asn (NM_001410977.1); c.1385G>A, p.Ser462Asn (NM_001414030.1); c.1373G>A, p.Ser458Asn (NM_001414031.1); and 4 more; short protein forms S378N, S394N, S39N, S487N, S491N, S531N, S426N, S447N.
Identifiers: ClinVar variation 1021842 (VCV001021842.11), dbSNP rs140619961, ClinGen allele CA6615953.